The following is an entry in ClinVar:

ClinVar aggregate classification (germline): Likely pathogenic (1 of 4 stars; one submission).

Conditions:
Familial cancer of breast. Also called: BREAST CANCER, FAMILIAL; Hereditary breast cancer; hereditary breast carcinoma. Identifiers: Orphanet 227535, MedGen C0346153, MONDO:0016419, OMIM 114480. Disease mechanism: loss of function.

Submission:

Centre for Mendelian Genomics, University Medical Centre Ljubljana
Classification: Likely pathogenic for Familial cancer of breast. Last evaluated: 2022-12-09. Review status: criteria provided, single submitter. Criteria: ACMG Guidelines, 2015. Collection method: research. Allele origin: germline. Affected: no.
Comment: PVS1, PM2_SUP

NM_000051.4(ATM):c.7452_7453del (p.Phe2485fs)

Genes: ATM (ATM serine/threonine kinase; plus strand), C11orf65 (chromosome 11 open reading frame 65; minus strand). Cytogenetic location: 11q22.3.
Variant type: Deletion.
Coding change: c.7452_7453del on transcript NM_000051.4 (MANE Select); coding-DNA positions 7452 to 7453, 2 bases deleted (AT; older notation c.7452_7453delAT).
Protein change: p.Phe2485fs; shifts the reading frame from phenylalanine 2485.
Molecular consequence: frameshift variant. On other transcripts: intron variant (2).
Genome position (GRCh38, 1-based): chr11:108,330,358-108,330,359, AT deleted; deleting any 2 consecutive bases within chr11:108,330,357-108,330,359 gives the same sequence; the c. name uses the placement nearest the transcript's 3' end. VCF-style (leftmost placement, unchanged base first): chr11-108330356-GTA-G. GRCh37 (hg19) VCF-style: chr11-108201083-GTA-G.
Other names: c.7452_7453del, p.Phe2485fs (NM_001351834.2); c.641-21287_641-21286del (NM_001330368.2); c.*38+4862_*38+4863del (NM_001351110.2); short protein forms F2485fs.
Identifiers: ClinVar variation 1803765 (VCV001803765.2), dbSNP rs2547263434, ClinGen allele CA2580083367.